The following is an entry in ClinVar:

ClinVar aggregate classification (germline): Uncertain significance (1 of 4 stars; one submission).

Conditions:
Severe combined immunodeficiency, autosomal recessive, T cell-negative, B cell-negative, NK cell-positive. Also called: SCID, T CELL-NEGATIVE, B CELL-NEGATIVE, NK CELL-POSITIVE; Severe combined immunodeficiency due to complete RAG1/2 deficiency; SCID, AR, T-cell negative, B-cell negative, NK cell-positive. Identifiers: Orphanet 331206, MedGen C1832322, MONDO:0011086, OMIM 601457.
Combined immunodeficiency with skin granulomas. Identifiers: Orphanet 157949, MedGen C2673536, MONDO:0009306, OMIM 233650.

Allele frequency attached by ClinVar (database versions not stated): ExAC 0.00002; gnomAD exomes 0.00002; TOPMed 0.00002; gnomAD 0.00003 and 0.00004.
gnomAD v4.1: 34 of 1,614,118 alleles (0.0021%); highest among the groups gnomAD compares: African/African-American, 0.0027%; no homozygotes.

Submission:

Labcorp Genetics (formerly Invitae), Labcorp
Classification: Uncertain significance for Combined immunodeficiency with skin granulomas; Severe combined immunodeficiency, autosomal recessive, T cell-negative, B cell-negative, NK cell-positive. Last evaluated: 2021-11-19. Review status: criteria provided, single submitter. Criteria: Invitae Variant Classification Sherloc (09022015). Collection method: clinical testing. Allele origin: germline.
Comment: This sequence change replaces histidine, which is basic and polar, with leucine, which is neutral and non-polar, at codon 839 of the RAG1 protein (p.His839Leu). This variant is present in population databases (rs778785063, gnomAD 0.01%). This variant has not been reported in the literature in individuals affected with RAG1-related conditions. ClinVar contains an entry for this variant (Variation ID: 645889). Advanced modeling of protein sequence and biophysical properties (such as structural, functional, and spatial information, amino acid conservation, physicochemical variation, residue mobility, and thermodynamic stability) performed at Invitae indicates that this missense variant is expected to disrupt RAG1 protein function. In summary, the available evidence is currently insufficient to determine the role of this variant in disease. Therefore, it has been classified as a Variant of Uncertain Significance.

NM_000448.3(RAG1):c.2516A>T (p.His839Leu)

Gene: RAG1 (recombination activating 1; plus strand). Cytogenetic location: 11p12.
Variant type: single nucleotide variant.
Coding change: c.2516A>T on transcript NM_000448.3 (MANE Select); coding-DNA position 2516, A replaced by T.
Protein change: p.His839Leu; replaces histidine 839 with leucine.
Molecular consequence: missense variant.
Genome position (GRCh38, 1-based): chr11:36,575,820, A>T. VCF-style: chr11-36575820-A-T. GRCh37 (hg19) VCF-style: chr11-36597370-A-T.
Other names: c.2516A>T, p.His839Leu (NM_001377277.1, NM_001377278.1, NM_001377279.1 and 1 more transcripts); short protein forms H839L.
Identifiers: ClinVar variation 645889 (VCV000645889.4), dbSNP rs778785063, ClinGen allele CA5950275.